The following is an entry in ClinVar:

ClinVar aggregate classification (germline): Uncertain significance (1 of 4 stars; one submission).

gnomAD v4.1: 7 of 1,205,033 alleles (0.00058%); highest among the groups gnomAD compares: Non-Finnish European, 0.00078%; no homozygotes.

Submission:

Dasa
Classification: Uncertain significance. Last evaluated: 2025-09-02. Review status: criteria provided, single submitter. Criteria: DASA Assertion Criteria. Collection method: clinical testing. Allele origin: germline.
Comment: NM_020922.5(WNK3):c.83A>G (p.Gln28Arg) is a missense variant that results in the substitution of glutamine with arginine. This variant is rare in population databases. Computational prediction algorithms are consistent with a benign effect. The currently available literature and clinical evidence are not sufficient to establish a definitive association between this variant and the reported condition. Therefore, this variant is classified as a variant of uncertain significance.

NM_020922.5(WNK3):c.83A>G (p.Gln28Arg)

Gene: WNK3 (WNK lysine deficient protein kinase 3; minus strand). Cytogenetic location: Xp11.22.
Variant type: single nucleotide variant.
Coding change: c.83A>G on transcript NM_020922.5 (MANE Select); coding-DNA position 83, A replaced by G.
Protein change: p.Gln28Arg; replaces glutamine 28 with arginine.
Molecular consequence: missense variant.
Genome position (GRCh38, 1-based): chrX:54,333,591, T>C on the plus strand (A>G on the coding strand, the complement: WNK3 is on the minus strand). VCF-style: chrX-54333591-T-C. GRCh37 (hg19) VCF-style: chrX-54360024-T-C.
Other names: c.83A>G, p.Gln28Arg (NM_001002838.4, NM_001395166.1); short protein forms Q28R.
Identifiers: ClinVar variation 4885489 (VCV004885489.2).
Genomic context (GRCh38, chrX:54,333,591, plus strand): 5'-GCAGAGAAGGTACTGTTTTTCTCCTTTAGTCTAGCTTCTACTGTCAAAGTTGCAGCGACC[T>C]GGGGAACTCTGTTTTCAAATGAAATTCCATCAGGTTTCTCAGAATCTTCTGTGCTGGCTG-3'
Protein context (NP_065973.2, residues 18-38): DGISFENRVP[Gln28Arg]VAATLTVEAR